The following is an entry in ClinVar:

ClinVar aggregate classification (germline): Likely benign. Review status: criteria provided, multiple submitters, no conflicts (2 of 4 stars). 3 submissions from 3 submitters: Likely benign (3). Last evaluated 2024-10-03.

Conditions:
T-cell immunodeficiency, congenital alopecia, and nail dystrophy. Also called: Congenital alopecia and nail dystrophy associated with severe functional T-cell immunodeficiency; Pignata Guarino syndrome. Identifiers: Orphanet 169095, MedGen C1866426, MONDO:0011132, OMIM 601705.

Allele frequency attached by ClinVar (database versions not stated): gnomAD 0.00188 and 0.00200; ESP Exome Variant Server 0.00216; TOPMed 0.00222; 1000 Genomes Project 30x 0.00297; 1000 Genomes Project 0.00300.
gnomAD v4.1: 589 of 1,604,486 alleles (0.037%); highest among the groups gnomAD compares: African/African-American, 0.69%; 1 homozygote.

Submissions (3):

Blueprint Genetics
Classification: Likely benign. Last evaluated: 2024-10-03. Review status: criteria provided, single submitter. Criteria: ACMG Guidelines, 2015. Collection method: clinical testing. Allele origin: germline.

Illumina Laboratory Services, Illumina
Classification: Likely benign for T-cell immunodeficiency, congenital alopecia, and nail dystrophy. Last evaluated: 2018-01-12. Review status: criteria provided, single submitter. Criteria: ICSL Variant Classification Criteria 13 December 2019. Collection method: clinical testing. Allele origin: germline.
Comment: This variant was observed in the ICSL laboratory as part of a predisposition screen in an ostensibly healthy population. It had not been previously curated by ICSL or reported in the Human Gene Mutation Database (HGMD: prior to June 1st, 2018), and was therefore a candidate for classification through an automated scoring system. Utilizing variant allele frequency, disease prevalence and penetrance estimates, and inheritance mode, an automated score was calculated to assess if this variant is too frequent to cause the disease. Based on the score and internal cut-off values, a variant classified as likely benign is not then subjected to further curation. The score for this variant resulted in a classification of likely benign for this disease.

Breakthrough Genomics
Classification: Likely benign. Review status: criteria provided, single submitter. Criteria: ACMG Guidelines, 2015. Collection method: not provided. Allele origin: germline. Inheritance: Autosomal recessive inheritance. Affected: yes.

NM_001369369.1(FOXN1):c.*13T>A

Gene: FOXN1 (forkhead box N1; plus strand). Cytogenetic location: 17q11.2.
Variant type: single nucleotide variant.
Coding change: c.*13T>A on transcript NM_001369369.1 (MANE Select); 13 bases downstream of the stop codon, T replaced by A.
Molecular consequence: 3 prime UTR variant.
Genome position (GRCh38, 1-based): chr17:28,537,449, T>A. VCF-style: chr17-28537449-T-A. GRCh37 (hg19) VCF-style: chr17-26864467-T-A.
Other names: c.*13T>A (NM_003593.3).
Identifiers: ClinVar variation 890588 (VCV000890588.6), dbSNP rs73278527, ClinGen allele CA8459664.